The following is an entry in ClinVar:

NM_000059.4(BRCA2):c.8417C>G (p.Ser2806Ter)

Gene: BRCA2 (BRCA2 DNA repair associated; plus strand). Cytogenetic location: 13q13.1.
Variant type: single nucleotide variant.
Coding change: c.8417C>G on transcript NM_000059.4 (MANE Select); coding-DNA position 8417, C replaced by G.
Protein change: p.Ser2806Ter; replaces serine 2806 with a stop codon.
Molecular consequence: nonsense.
Genome position (GRCh38, 1-based): chr13:32,370,487, C>G. VCF-style: chr13-32370487-C-G. GRCh37 (hg19) VCF-style: chr13-32944624-C-G.
Other names: short protein forms S2806*.
Identifiers: ClinVar variation 575274 (VCV000575274.7), dbSNP rs587782785, ClinGen allele CA387752522.
Genomic context (GRCh38, chr13:32,370,487, plus strand): 5'-CTCGCTGGTATACCAAACTTGGATTCTTTCCTGACCCTAGACCTTTTCCTCTGCCCTTAT[C>G]ATCGCTTTTCAGTGATGGAGGAAATGTTGGTTGTGTTGATGTAATTATTCAAAGAGCATA-3'

ClinVar aggregate classification (germline): Pathogenic (1 of 4 stars; one submission).

Conditions:
Hereditary breast ovarian cancer syndrome. Also called: BRCA1- and BRCA2-Associated Hereditary Breast and Ovarian Cancer; Hereditary breast and ovarian cancer; Hereditary breast and/or ovarian cancer syndrome; Hereditary breast and ovarian cancer syndrome; Hereditary breast and ovarian cancer syndrome (HBOC); Breast and ovarian cancer. Identifiers: Orphanet 145, MedGen C0677776, MeSH D061325, MONDO:0003582. Disease mechanism: loss of function.

Submission:

Labcorp Genetics (formerly Invitae), Labcorp
Classification: Pathogenic for Hereditary breast ovarian cancer syndrome. Last evaluated: 2023-05-08. Review status: criteria provided, single submitter. Criteria: Invitae Variant Classification Sherloc (09022015). Collection method: clinical testing. Allele origin: germline.
Comment: For these reasons, this variant has been classified as Pathogenic. ClinVar contains an entry for this variant (Variation ID: 575274). This variant has not been reported in the literature in individuals affected with BRCA2-related conditions. This variant is not present in population databases (gnomAD no frequency). This sequence change creates a premature translational stop signal (p.Ser2806*) in the BRCA2 gene. It is expected to result in an absent or disrupted protein product. Loss-of-function variants in BRCA2 are known to be pathogenic (PMID: 20104584).

Literature cited by the submitters: PubMed 20104584.